The following is an entry in ClinVar:

NM_002242.4(KCNJ13):c.248G>A (p.Gly83Asp)

Genes: GIGYF2 (GRB10 interacting GYF protein 2; plus strand), KCNJ13 (potassium inwardly rectifying channel subfamily J member 13; minus strand). Cytogenetic location: 2q37.1.
Variant type: single nucleotide variant.
Coding change: c.248G>A on transcript NM_002242.4 (MANE Select); coding-DNA position 248, G replaced by A.
Protein change: p.Gly83Asp; replaces glycine 83 with aspartic acid.
Molecular consequence: missense variant. On other transcripts: intron variant (5).
Genome position (GRCh38, 1-based): chr2:232,771,115, C>T on the plus strand (G>A on the coding strand, the complement: KCNJ13 is on the minus strand). VCF-style: chr2-232771115-C-T. GRCh37 (hg19) VCF-style: chr2-233635825-C-T.
Other names: c.8G>A, p.Gly3Asp (NM_001172417.1); c.532+9679C>T (NM_001103146.3, NM_015575.4, NM_001103148.2); c.533-5297C>T (NM_001103147.2); c.224+24G>A (NM_001172416.1); short protein forms G83D, G3D.
Identifiers: ClinVar variation 1933991 (VCV001933991.5), dbSNP rs763341185, ClinGen allele CA2170067.
Genomic context (GRCh38, chr2:232,771,115, plus strand): 5'-ATATACTTGACACAGATAGTGTGGTTTTCAGGTGGGGCATCATGATCTAGTTCCAGATCA[C>T]CATTCATCTCAGCCAGAACATACCAGAGCACTGCAAAGACAAGCCAGTGGACAACAAAAG-3'
Protein context (NP_002233.2, residues 73-93): VLWYVLAEMN[Gly83Asp]DLELDHDAPP

ClinVar aggregate classification (germline): Uncertain significance (1 of 4 stars; one submission).

Allele frequency attached by ClinVar (database versions not stated): gnomAD exomes below 0.00001; ExAC 0.00001.
gnomAD v4.1: 2 of 1,614,070 alleles (0.00012%); highest among the groups gnomAD compares: Admixed American, 0.0017%; no homozygotes.

Submission:

Labcorp Genetics (formerly Invitae), Labcorp
Classification: Uncertain significance. Last evaluated: 2023-07-09. Review status: criteria provided, single submitter. Criteria: Invitae Variant Classification Sherloc (09022015). Collection method: clinical testing. Allele origin: germline.
Comment: This sequence change replaces glycine, which is neutral and non-polar, with aspartic acid, which is acidic and polar, at codon 83 of the KCNJ13 protein (p.Gly83Asp). This variant is present in population databases (rs763341185, gnomAD 0.003%). This variant has not been reported in the literature in individuals affected with KCNJ13-related conditions. ClinVar contains an entry for this variant (Variation ID: 1933991). Advanced modeling of protein sequence and biophysical properties (such as structural, functional, and spatial information, amino acid conservation, physicochemical variation, residue mobility, and thermodynamic stability) performed at Invitae indicates that this missense variant is not expected to disrupt KCNJ13 protein function. In summary, the available evidence is currently insufficient to determine the role of this variant in disease. Therefore, it has been classified as a Variant of Uncertain Significance.